The following is an entry in ClinVar:

NM_003018.3(SFTPC):c.-67C>T

Gene: SFTPC (surfactant protein C; plus strand). Cytogenetic location: 8p21.3.
Variant type: single nucleotide variant.
Coding change: c.-67C>T on transcript NM_003018.3; 67 bases upstream of the start codon, C replaced by T.
Molecular consequence: intron variant (on NM_001385655.1).
Genome position (GRCh38, 1-based): chr8:22,161,762, C>T. VCF-style: chr8-22161762-C-T. GRCh37 (hg19) VCF-style: chr8-22019275-C-T.
Other names: c.-53-14C>T (NM_001385655.1, NM_001385654.1, NM_001385656.1 and 4 more transcripts).
Identifiers: ClinVar variation 362547 (VCV000362547.8), dbSNP rs377267823, ClinGen allele CA4663830.

ClinVar aggregate classification (germline): Likely benign. Review status: criteria provided, multiple submitters, no conflicts (2 of 4 stars). 3 submissions from 2 submitters: Likely benign (3). Last evaluated 2018-01-12.

Conditions:
Surfactant metabolism dysfunction, pulmonary, 2 (SMDP2). Also called: INTERSTITIAL LUNG DISEASE DUE TO SURFACTANT PROTEIN C DEFICIENCY; PULMONARY ALVEOLAR PROTEINOSIS, CONGENITAL, 2; DESQUAMATIVE INTERSTITIAL PNEUMONITIS DUE TO SURFACTANT PROTEIN C DEFICIENCY. Identifiers: Orphanet 440392, MedGen C1970470, MONDO:0024465, OMIM 610913.
Interstitial lung disease 2 (ILD2). Also called: Familial idiopathic pulmonary fibrosis; FIBROSING ALVEOLITIS, CRYPTOGENIC; FIBROCYSTIC PULMONARY DYSPLASIA. Identifiers: Orphanet 2032, Orphanet 79126, MedGen C5561926, MONDO:0800497, OMIM 178500, MONDO:0800029.

Allele frequency attached by ClinVar (database versions not stated): ExAC 0.00020; 1000 Genomes Project 30x 0.00078; 1000 Genomes Project 0.00060; ESP Exome Variant Server 0.00088; TOPMed 0.00050.
gnomAD v4.1: 417 of 1,613,618 alleles (0.026%); highest among the groups gnomAD compares: Middle Eastern, 0.22%; 2 homozygotes.

Submissions (3):

Illumina Laboratory Services, Illumina
Classification: Likely benign for Surfactant metabolism dysfunction, pulmonary, 2. Last evaluated: 2018-01-12. Review status: criteria provided, single submitter. Criteria: ICSL Variant Classification Criteria 13 December 2019. Collection method: clinical testing. Allele origin: germline.
Comment: This variant was observed in the ICSL laboratory as part of a predisposition screen in an ostensibly healthy population. It had not been previously curated by ICSL or reported in the Human Gene Mutation Database (HGMD: prior to June 1st, 2018), and was therefore a candidate for classification through an automated scoring system. Utilizing variant allele frequency, disease prevalence and penetrance estimates, and inheritance mode, an automated score was calculated to assess if this variant is too frequent to cause the disease. Based on the score and internal cut-off values, a variant classified as likely benign is not then subjected to further curation. The score for this variant resulted in a classification of likely benign for this disease.

Illumina Laboratory Services, Illumina
Classification: Likely benign for Idiopathic fibrosing alveolitis, chronic form. Last evaluated: 2018-01-12. Review status: criteria provided, single submitter. Criteria: ICSL Variant Classification Criteria 13 December 2019. Collection method: clinical testing. Allele origin: germline.
Comment: the same text as in the submission from Illumina Laboratory Services, Illumina above.

Breakthrough Genomics
Classification: Likely benign. Review status: criteria provided, single submitter. Criteria: ACMG Guidelines, 2015. Collection method: not provided. Allele origin: germline. Inheritance: Autosomal dominant inheritance. Affected: yes.